The following is an entry in ClinVar:

NM_183381.3(RNF13):c.432C>T (p.Asp144=)

Gene: RNF13 (ring finger protein 13; plus strand). Cytogenetic location: 3q25.1.
Variant type: single nucleotide variant.
Coding change: c.432C>T on transcript NM_183381.3 (MANE Select); coding-DNA position 432, C replaced by T.
Protein change: p.Asp144=; no amino-acid change (aspartic acid 144 retained).
Molecular consequence: synonymous variant. On other transcripts: non-coding transcript variant (1).
Genome position (GRCh38, 1-based): chr3:149,902,094, C>T. VCF-style: chr3-149902094-C-T. GRCh37 (hg19) VCF-style: chr3-149619881-C-T.
Other names: c.432C>T, p.Asp144= (NM_001378285.1, NM_001378286.1, NM_007282.4); c.75C>T, p.Asp25= (NM_001378287.1, NM_001378288.1, NM_001378289.1 and 2 more transcripts); c.39C>T, p.Asp13= (NM_001378291.1).
Identifiers: ClinVar variation 3040590 (VCV003040590.3), dbSNP rs2473426711, ClinGen allele CA436355521.
Genomic context (GRCh38, chr3:149,902,094, plus strand): 5'-TGGGCTTTTAAGAATAATTTCATTATTCTTTTATACAGTTGAGGTACTAAAGAAAATTGA[C>T]ATTCCATCTGTCTTTATTGGTGAATCATCAGCTAATTCTCTGAAAGATGAATTCACATAT-3'
Protein context (NP_899237.1, residues 134-154): SNDIEVLKKI[Asp144=]IPSVFIGESS

ClinVar aggregate classification (germline): Likely benign. Review status: criteria provided, single submitter (1 of 4 stars). 2 submissions from 2 submitters: Likely benign (1). 1 of the submissions does not count toward it. Last evaluated 2022-07-08.

Conditions:
RNF13-related disorder. Also called: RNF13-related condition.

Submissions (2):

Blueprint Genetics
Classification: Likely benign. Last evaluated: 2022-07-08. Review status: criteria provided, single submitter. Criteria: ACMG Guidelines, 2015. Collection method: clinical testing. Allele origin: germline.

PreventionGenetics, part of Exact Sciences
Classification: Likely benign for RNF13-related condition. Last evaluated: 2019-09-27. Review status: no assertion criteria provided. Collection method: clinical testing. Allele origin: germline. Not counted in ClinVar's aggregate classification.
Comment: This variant is classified as likely benign based on ACMG/AMP sequence variant interpretation guidelines (Richards et al. 2015 PMID: 25741868, with internal and published modifications).